The following is an entry in ClinVar:

ClinVar aggregate classification (germline): Uncertain significance (1 of 4 stars; one submission).

Conditions:
Retinitis pigmentosa 55 (RP55). Identifiers: Orphanet 791, MedGen C3150808, MONDO:0013312, OMIM 613575.
Bardet-Biedl syndrome 3 (BBS3). Identifiers: Orphanet 110, MedGen C1859564, MONDO:0010832, OMIM 600151.

Submission:

Labcorp Genetics (formerly Invitae), Labcorp
Classification: Uncertain significance for Retinitis pigmentosa 55; Bardet-Biedl syndrome 3. Last evaluated: 2022-08-21. Review status: criteria provided, single submitter. Criteria: Invitae Variant Classification Sherloc (09022015). Collection method: clinical testing. Allele origin: germline.
Comment: In summary, the available evidence is currently insufficient to determine the role of this variant in disease. Therefore, it has been classified as a Variant of Uncertain Significance. This variant has not been reported in the literature in individuals affected with ARL6-related conditions. This variant results in a copy number gain of the genomic region encompassing exon(s) 3 of the ARL6 gene. This region includes the initiator codon of the gene. This copy number gain extends beyond the assayed region for this gene and therefore may encompass additional genes. As the precise location of this event is unknown, it may be in tandem or it may be located elsewhere in the genome.

NC_000003.11:g.(?_97486952)_(97487094_?)dup

Gene: ARL6 (ARF like GTPase 6; plus strand). Cytogenetic location: 3q11.2.
Variant type: Duplication.
Identifiers: ClinVar variation 2427561 (VCV002427561.4).